The following is an entry in ClinVar:

NM_000399.5(EGR2):c.*287T>A

Gene: EGR2 (early growth response 2; minus strand). Cytogenetic location: 10q21.3.
Variant type: single nucleotide variant.
Coding change: c.*287T>A on transcript NM_000399.5 (MANE Select); 287 bases downstream of the stop codon, T replaced by A.
Molecular consequence: 3 prime UTR variant.
Genome position (GRCh38, 1-based): chr10:62,812,920, A>T on the plus strand (T>A on the coding strand, the complement: EGR2 is on the minus strand). VCF-style: chr10-62812920-A-T. GRCh37 (hg19) VCF-style: chr10-64572680-A-T.
Other names: c.*287T>A (NM_001136177.3, NM_001136178.2, NM_001136179.3 and 1 more transcripts).
Identifiers: ClinVar variation 300273 (VCV000300273.8), dbSNP rs61865883, ClinGen allele CA10628750.

ClinVar aggregate classification (germline): Benign. Review status: criteria provided, multiple submitters, no conflicts (2 of 4 stars). 3 submissions from 3 submitters: Benign (3). Last evaluated 2018-06-16.

Conditions:
Charcot-Marie-Tooth disease type 1D. Also called: CHARCOT-MARIE-TOOTH NEUROPATHY, TYPE 1D; HEREDITARY MOTOR AND SENSORY NEUROPATHY 1D; HMSN ID; Charcot-Marie-Tooth disease, demyelinating, type 1d. Identifiers: Orphanet 101084, MedGen C1843247, MONDO:0011890, OMIM 607678.

Allele frequency attached by ClinVar (database versions not stated): TOPMed 0.05376; 1000 Genomes Project 0.07628; gnomAD 0.05337 and 0.05547; gnomAD exomes 0.06918; 1000 Genomes Project 30x 0.07402.

Submissions (3):

GeneDx
Classification: Benign. Last evaluated: 2018-06-16. Review status: criteria provided, single submitter. Criteria: GeneDx Variant Classification Process June 2021. Collection method: clinical testing. Allele origin: germline. Affected: yes.

Illumina Laboratory Services, Illumina
Classification: Benign for Charcot-Marie-Tooth disease type 1D. Last evaluated: 2018-01-13. Review status: criteria provided, single submitter. Criteria: ICSL Variant Classification Criteria 13 December 2019. Collection method: clinical testing. Allele origin: germline.
Comment: This variant was observed in the ICSL laboratory as part of a predisposition screen in an ostensibly healthy population. It had not been previously curated by ICSL or reported in the Human Gene Mutation Database (HGMD: prior to June 1st, 2018), and was therefore a candidate for classification through an automated scoring system. Utilizing variant allele frequency, disease prevalence and penetrance estimates, and inheritance mode, an automated score was calculated to assess if this variant is too frequent to cause the disease. Based on the score and internal cut-off values, a variant classified as benign is not then subjected to further curation. The score for this variant resulted in a classification of benign for this disease.

Breakthrough Genomics
Classification: Benign. Review status: criteria provided, single submitter. Criteria: ACMG Guidelines, 2015. Collection method: not provided. Allele origin: germline. Inheritance: Autosomal recessive inheritance. Affected: yes.